The following is an entry in ClinVar:

NM_000152.5(GAA):c.-33+903A>C

Gene: GAA (alpha glucosidase; plus strand). Cytogenetic location: 17q25.3.
Variant type: single nucleotide variant.
Coding change: c.-33+903A>C on transcript NM_000152.5 (MANE Select); 903 bases into the intron after 33 bases upstream of the start codon, A replaced by C.
Molecular consequence: intron variant.
Genome position (GRCh38, 1-based): chr17:80,102,793, A>C. VCF-style: chr17-80102793-A-C. GRCh37 (hg19) VCF-style: chr17-78076592-A-C.
Other names: c.-33+903A>C (NM_001406741.1, NM_001079803.3); c.-33+868A>C (NM_001406742.1); c.-33+1168A>C (NM_001079804.3).
Identifiers: ClinVar variation 4876468 (VCV004876468.1).
Genomic context (GRCh38, chr17:80,102,793, plus strand): 5'-ACGCACTTTCCTGAGTTCTGTGACCCTGAAGAGGGAGTCCTGGGAACCTCTGAATTTATA[A>C]CTAGTTGATCGAAAGTACAAGTGACAACCTGGGATTTGCCATTGGCCTCTGAAGTGAAGG-3'

ClinVar aggregate classification (germline): Benign (1 of 4 stars; one submission).

Conditions:
Glycogen storage disease, type II (IOPD). Also called: Pompe Disease; CARDIOMEGALIA GLYCOGENICA DIFFUSA; GLYCOGENOSIS, GENERALIZED, CARDIAC FORM; GSD II; POMPE DISEASE, INFANTILE-ONSET; GLYCOGEN STORAGE DISEASE II, INFANTILE-ONSET. Identifiers: Orphanet 365, MedGen C0017921, MONDO:0009290, OMIM 232300.

gnomAD v4.1: 51,843 of 152,096 alleles (34%); highest among the groups gnomAD compares: Middle Eastern, 45%; 9,113 homozygotes.

Submission:

Genomenon, Inc
Classification: Benign for Glycogen storage disease, type II. Last evaluated: 2026-07-01. Review status: criteria provided, single submitter. Criteria: Genomenon Sequence Variant Interpretation Standards - Updated. Collection method: curation. Allele origin: germline. Affected: no.
Comment: GAA c.-33+903A>C is an intronic variant located in the 5′ untranslated region (5′ UTR). This variant is present at high allele frequency in population databases. We classify GAA c.-33+903A>C as a benign variant.